The following is an entry in ClinVar:

ClinVar aggregate classification (germline): Likely pathogenic (1 of 4 stars; one submission).

Conditions:
Charcot-Marie-Tooth disease, type I (CMT1). Also called: Charcot-Marie-Tooth, Type 1; Charcot-Marie-Tooth disease type 1. Identifiers: Orphanet 65753, MedGen C0751036, MONDO:0019011.

Submission:

Labcorp Genetics (formerly Invitae), Labcorp
Classification: Likely pathogenic for Charcot-Marie-Tooth disease, type I. Last evaluated: 2019-05-30. Review status: criteria provided, single submitter. Criteria: Invitae Variant Classification Sherloc (09022015). Collection method: clinical testing. Allele origin: germline.
Comment: This variant disrupts the p.Lys236 amino acid residue in MPZ. Other variant(s) that disrupt this residue have been determined to be pathogenic (PMID: 12207932, 15716547). This suggests that this residue is clinically significant, and that variants that disrupt this residue are likely to be disease-causing. This variant is a gross deletion of the genomic region encompassing exons 2-6 of the MPZ gene. The 5' boundary is likely confined to intron 1. The 3' end of this event is unknown as it extends through the termination codon beyond the assayed region for this gene and may encompass additional genes. While this deletion is not anticipated to result in nonsense mediated decay, it is expected to create a truncated protein product or disrupt mRNA translation. This variant has not been reported in the literature in individuals with MPZ-related conditions. In summary, the currently available evidence indicates that the variant is pathogenic, but additional data are needed to prove that conclusively. Therefore, this variant has been classified as Likely Pathogenic.

Literature cited by the submitters: PubMed 12207932; PubMed 15716547.

NC_000001.11:g.(?_161305674)_(161307434_?)del

Gene: MPZ (myelin protein zero; minus strand). Cytogenetic location: 1q23.3.
Variant type: Deletion.
Identifiers: ClinVar variation 830645 (VCV000830645.5).